The following is an entry in ClinVar:

ClinVar aggregate classification (germline): Likely pathogenic (1 of 4 stars; one submission).

Conditions:
Fragile X syndrome. Also called: Fragile X syndrome, type A; MARKER X SYNDROME; MARTIN-BELL SYNDROME; MENTAL RETARDATION, X-LINKED, ASSOCIATED WITH marXq28; X-LINKED MENTAL RETARDATION AND MACROORCHIDISM; Fra(X) syndrome. Identifiers: Orphanet 449291, Orphanet 908, MedGen C0016667, MONDO:0010383, OMIM 300624. Disease mechanism: loss of function.

Allele frequency attached by ClinVar (database versions not stated): TOPMed below 0.00001.

Submission:

Baylor Genetics
Classification: Likely pathogenic for Fragile X syndrome. Last evaluated: 2020-06-08. Review status: criteria provided, single submitter. Criteria: ACMG Guidelines, 2015. Collection method: clinical testing. Allele origin: unknown. Affected: yes.
Comment: This variant was determined to be likely pathogenic according to ACMG Guidelines, 2015 [PMID:25741868].

NM_002024.6(FMR1):c.1184G>A (p.Trp395Ter)

Gene: FMR1 (fragile X messenger ribonucleoprotein 1; plus strand). Cytogenetic location: Xq27.3.
Variant type: single nucleotide variant.
Coding change: c.1184G>A on transcript NM_002024.6 (MANE Select); coding-DNA position 1184, G replaced by A.
Protein change: p.Trp395Ter; replaces tryptophan 395 with a stop codon.
Molecular consequence: nonsense. On other transcripts: non-coding transcript variant (1), intron variant (3).
Genome position (GRCh38, 1-based): chrX:147,938,157, G>A. VCF-style: chrX-147938157-G-A. GRCh37 (hg19) VCF-style: chrX-147019676-G-A.
Other names: c.1184G>A, p.Trp395Ter (NM_001185075.2); c.1125+557G>A (NM_001185076.2, NM_001185082.2, NM_001185081.2); short protein forms W395*.
Identifiers: ClinVar variation 1027987 (VCV001027987.1), dbSNP rs2043856428, ClinGen allele CA414443744.